The following is an entry in ClinVar:

ClinVar aggregate classification (germline): Uncertain significance (1 of 4 stars; one submission).

Allele frequency attached by ClinVar (database versions not stated): gnomAD exomes 0.00001.
gnomAD v4.1: 12 of 1,597,580 alleles (0.00075%); highest among the groups gnomAD compares: African/African-American, 0.0027%; no homozygotes.

Submission:

Labcorp Genetics (formerly Invitae), Labcorp
Classification: Uncertain significance. Last evaluated: 2023-07-10. Review status: criteria provided, single submitter. Criteria: Invitae Variant Classification Sherloc (09022015). Collection method: clinical testing. Allele origin: germline.
Comment: ClinVar contains an entry for this variant (Variation ID: 1003183). This variant has not been reported in the literature in individuals affected with RIMS1-related conditions. The frequency data for this variant in the population databases is considered unreliable, as metrics indicate poor data quality at this position in the gnomAD database. This sequence change replaces proline, which is neutral and non-polar, with threonine, which is neutral and polar, at codon 1050 of the RIMS1 protein (p.Pro1050Thr). In summary, the available evidence is currently insufficient to determine the role of this variant in disease. Therefore, it has been classified as a Variant of Uncertain Significance. An algorithm developed to predict the effect of missense changes on protein structure and function (PolyPhen-2) suggests that this variant is likely to be tolerated.

NM_014989.7(RIMS1):c.3148C>A (p.Pro1050Thr)

Gene: RIMS1 (regulating synaptic membrane exocytosis 1; plus strand). Cytogenetic location: 6q13.
Variant type: single nucleotide variant.
Coding change: c.3148C>A on transcript NM_014989.7 (MANE Select); coding-DNA position 3148, C replaced by A.
Protein change: p.Pro1050Thr; replaces proline 1050 with threonine.
Molecular consequence: missense variant. On other transcripts: intron variant (58).
Genome position (GRCh38, 1-based): chr6:72,265,006, C>A. VCF-style: chr6-72265006-C-A. GRCh37 (hg19) VCF-style: chr6-72974709-C-A.
Other names: c.1567C>A, p.Pro523Thr (NM_001350418.2, NM_001350434.2, NM_001350436.2); c.1570C>A, p.Pro524Thr (NM_001350458.2); c.1525C>A, p.Pro509Thr (NM_001350470.2); c.1470-954C>A (NM_001350428.2, NM_001350459.2, NM_001350424.2 and 1 more transcripts); c.1467-954C>A (NM_001350437.2, NM_001350430.2, NM_001350421.2 and 1 more transcripts); c.1539-954C>A (NM_001350433.2, NM_001350446.2, NM_001350442.2 and 8 more transcripts); c.1538+4239C>A (NM_001350431.2); c.1476-954C>A (NM_001350457.2); and 13 more; short protein forms P1050T, P509T, P523T, P524T.
Identifiers: ClinVar variation 1003183 (VCV001003183.8), dbSNP rs1467543209, ClinGen allele CA364685243.
Genomic context (GRCh38, chr6:72,265,006, plus strand): 5'-TCCTGCGTGTTTGTGTTGCTACGTTCCAGACATCTTGTTAGGCACTATAAAACATTACCT[C>A]CCAAGATGCCTTTATTACAGAGCAGTTCTCACTGGAATATTTACAGGTAAGAGCCCTAAC-3'
Protein context (NP_055804.2, residues 1040-1060): HLVRHYKTLP[Pro1050Thr]KMPLLQSSSH